The following is an entry in ClinVar:

NM_021930.6(RINT1):c.386G>C (p.Ser129Thr)

Gene: RINT1 (RAD50 interactor 1; plus strand). Cytogenetic location: 7q22.3.
Variant type: single nucleotide variant.
Coding change: c.386G>C on transcript NM_021930.6 (MANE Select); coding-DNA position 386, G replaced by C.
Protein change: p.Ser129Thr; replaces serine 129 with threonine.
Molecular consequence: missense variant. On other transcripts: 5 prime UTR variant (3), non-coding transcript variant (1).
Genome position (GRCh38, 1-based): chr7:105,542,520, G>C. VCF-style: chr7-105542520-G-C. GRCh37 (hg19) VCF-style: chr7-105182967-G-C.
Other names: c.152G>C, p.Ser51Thr (NM_001346599.2); c.-634G>C (NM_001346600.2); c.-537G>C (NM_001346601.2); c.-157G>C (NM_001346603.2); short protein forms S129T, S51T.
Identifiers: ClinVar variation 3945993 (VCV003945993.1).

ClinVar aggregate classification (germline): Uncertain significance (1 of 4 stars; one submission).

Submission:

Ambry Genetics
Classification: Uncertain significance. Last evaluated: 2025-05-05. Review status: criteria provided, single submitter. Criteria: Ambry Variant Classification Scheme 2023. Collection method: clinical testing. Allele origin: germline.
Comment: The p.S129T variant (also known as c.386G>C), located in coding exon 4 of the RINT1 gene, results from a G to C substitution at nucleotide position 386. The serine at codon 129 is replaced by threonine, an amino acid with similar properties. This amino acid position is conserved. In addition, this alteration is predicted to be tolerated by in silico analysis. Based on the available evidence, the clinical significance of this variant remains unclear.